The following is an entry in ClinVar:

ClinVar aggregate classification (germline): Uncertain significance (1 of 4 stars; one submission).

Conditions:
PLXNA2-related disorder. Also called: PLXNA2-related condition.

Submission:

PreventionGenetics, part of Exact Sciences
Classification: Uncertain significance for PLXNA2-related condition. Last evaluated: 2026-08-03. Review status: criteria provided, single submitter. Criteria: ACMG Guidelines, 2015. Collection method: clinical testing. Allele origin: germline.
Comment: The PLXNA2 c.1663A>T variant is predicted to result in the amino acid substitution p.Ser555Cys. To our knowledge, this variant has not been reported in the literature or in a large population database (gnomAD), indicating this variant is rare. At this time, the clinical significance of this variant is uncertain due to the absence of conclusive functional and genetic evidence.

NM_025179.4(PLXNA2):c.1663A>T (p.Ser555Cys)

Gene: PLXNA2 (plexin A2; minus strand). Cytogenetic location: 1q32.2.
Variant type: single nucleotide variant.
Coding change: c.1663A>T on transcript NM_025179.4 (MANE Select); coding-DNA position 1663, A replaced by T.
Protein change: p.Ser555Cys; replaces serine 555 with cysteine.
Molecular consequence: missense variant.
Genome position (GRCh38, 1-based): chr1:208,098,914, T>A on the plus strand (A>T on the coding strand, the complement: PLXNA2 is on the minus strand). VCF-style: chr1-208098914-T-A. GRCh37 (hg19) VCF-style: chr1-208272259-T-A.
Other names: short protein forms S555C.
Identifiers: ClinVar variation 4993016 (VCV004993016.1).